The following is an entry in ClinVar:

ClinVar aggregate classification (germline): Likely benign. Review status: criteria provided, multiple submitters, no conflicts (2 of 4 stars). 4 submissions from 4 submitters: Likely benign (3). 1 of the submissions does not count toward it. Last evaluated 2026-01-12.

Conditions:
Paroxysmal nonkinesigenic dyskinesia 1 (PNKD1). Also called: Familial Paroxysmal Nonkinesigenic Dyskinesia; DYSTONIA 8; PAROXYSMAL DYSTONIC CHOREOATHETOSIS; Nonkinesigenic choreoathetosis; Familial paroxysmal choreoathetosis; PxMD-PNKD. Identifiers: Orphanet 98810, MedGen C4551506, MONDO:0700089, OMIM 118800, MONDO:0007326.
PNKD-related disorder. Also called: PNKD-related condition.
Paroxysmal nonkinesigenic dyskinesia. Also called: Paroxysmal non-kinesigenic dyskinesia. Identifiers: Orphanet 98810, MedGen C1869117, MONDO:0700088.

Allele frequency attached by ClinVar (database versions not stated): ESP Exome Variant Server 0.00008; gnomAD exomes 0.00014; gnomAD 0.00030 and 0.00031; ExAC 0.00039; TOPMed 0.00043.
gnomAD v4.1: 218 of 1,223,732 alleles (0.018%); highest among the groups gnomAD compares: Middle Eastern, 0.13%; 1 homozygote.

Submissions (4):

Labcorp Genetics (formerly Invitae), Labcorp
Classification: Likely benign for Paroxysmal nonkinesigenic dyskinesia. Last evaluated: 2026-01-12. Review status: criteria provided, single submitter. Criteria: Invitae Variant Classification Sherloc (09022015). Collection method: clinical testing. Allele origin: germline.

Illumina Laboratory Services, Illumina
Classification: Likely benign for Paroxysmal nonkinesigenic dyskinesia 1. Last evaluated: 2018-01-12. Review status: criteria provided, single submitter. Criteria: ICSL Variant Classification Criteria 13 December 2019. Collection method: clinical testing. Allele origin: germline.
Comment: This variant was observed in the ICSL laboratory as part of a predisposition screen in an ostensibly healthy population. It had not been previously curated by ICSL or reported in the Human Gene Mutation Database (HGMD: prior to June 1st, 2018), and was therefore a candidate for classification through an automated scoring system. Utilizing variant allele frequency, disease prevalence and penetrance estimates, and inheritance mode, an automated score was calculated to assess if this variant is too frequent to cause the disease. Based on the score and internal cut-off values, a variant classified as likely benign is not then subjected to further curation. The score for this variant resulted in a classification of likely benign for this disease.

Breakthrough Genomics
Classification: Likely benign. Review status: criteria provided, single submitter. Criteria: ACMG Guidelines, 2015. Collection method: not provided. Allele origin: germline. Inheritance: Autosomal dominant inheritance. Affected: yes.

PreventionGenetics, part of Exact Sciences
Classification: Likely benign for PNKD-related condition. Last evaluated: 2019-02-20. Review status: no assertion criteria provided. Collection method: clinical testing. Allele origin: germline. Not counted in ClinVar's aggregate classification.
Comment: This variant is classified as likely benign based on ACMG/AMP sequence variant interpretation guidelines (Richards et al. 2015 PMID: 25741868, with internal and published modifications).

NM_015488.5(PNKD):c.24G>A (p.Thr8=)

Genes: PNKD (PNKD metallo-beta-lactamase domain containing; plus strand), LOC129935594 (ATAC-STARR-seq lymphoblastoid active region 17117; plus strand). Cytogenetic location: 2q35.
Variant type: single nucleotide variant.
Coding change: c.24G>A on transcript NM_015488.5 (MANE Select); coding-DNA position 24, G replaced by A.
Protein change: p.Thr8=; no amino-acid change (threonine 8 retained).
Molecular consequence: synonymous variant.
Genome position (GRCh38, 1-based): chr2:218,270,559, G>A. VCF-style: chr2-218270559-G-A. GRCh37 (hg19) VCF-style: chr2-219135282-G-A.
Other names: c.24G>A, p.Thr8= (NM_001077399.3).
Identifiers: ClinVar variation 468627 (VCV000468627.18), dbSNP rs371342116, ClinGen allele CA2103225.
Genomic context (GRCh38, chr2:218,270,559, plus strand): 5'-GGCGGGGAGCGCGGTGAAGCGGGGGTGGGATCTGAACATGGCGGCGGTGGTAGCTGCTAC[G>A]GCGCTGAAGGGCCGGGGGGCGAGAAATGCCCGCGTCCTCCGGGGTAAGGAGAGGGACCCC-3'
Protein context (NP_056303.3, residues 1-18): MAAVVAA[Thr8=]ALKGRGARNA